The following is an entry in ClinVar:

ClinVar aggregate classification (germline): Conflicting classifications of pathogenicity. Review status: criteria provided, conflicting classifications (1 of 4 stars). 3 submissions from 3 submitters: Uncertain significance (2); Likely benign (1). Last evaluated 2022-08-10.

Conditions:
Neuronal ceroid lipofuscinosis 13 (CLN13). Also called: CEROID LIPOFUSCINOSIS, NEURONAL, 13 (KUFS TYPE); CLN13 Disease. Identifiers: Orphanet 352709, Orphanet 79262, MedGen C3715049, MONDO:0014147, OMIM 615362.
Inborn genetic diseases. Identifiers: MedGen C0950123, MeSH D030342.

Allele frequency attached by ClinVar (database versions not stated): gnomAD exomes 0.00003 and 0.00007; gnomAD 0.00005 and 0.00006; TOPMed 0.00006; ExAC 0.00008; 1000 Genomes Project 0.00040; 1000 Genomes Project 30x 0.00047.
gnomAD v4.1: 62 of 1,599,566 alleles (0.0039%); highest among the groups gnomAD compares: Admixed American, 0.037%; no homozygotes.

Submissions (3):

Labcorp Genetics (formerly Invitae), Labcorp
Classification: Uncertain significance for Neuronal ceroid lipofuscinosis 13. Last evaluated: 2022-08-10. Review status: criteria provided, single submitter. Criteria: Invitae Variant Classification Sherloc (09022015). Collection method: clinical testing. Allele origin: germline.
Comment: This variant has not been reported in the literature in individuals affected with CTSF-related conditions. This variant is present in population databases (rs201500574, gnomAD 0.02%). This sequence change replaces asparagine, which is neutral and polar, with serine, which is neutral and polar, at codon 367 of the CTSF protein (p.Asn367Ser). ClinVar contains an entry for this variant (Variation ID: 1305235). In summary, the available evidence is currently insufficient to determine the role of this variant in disease. Therefore, it has been classified as a Variant of Uncertain Significance. Algorithms developed to predict the effect of missense changes on protein structure and function output the following: SIFT: "Tolerated"; PolyPhen-2: "Benign"; Align-GVGD: "Class C0". The serine amino acid residue is found in multiple mammalian species, which suggests that this missense change does not adversely affect protein function.

Ambry Genetics
Classification: Likely benign for Inborn genetic diseases. Last evaluated: 2022-01-26. Review status: criteria provided, single submitter. Criteria: Ambry Variant Classification Scheme 2023. Collection method: clinical testing. Allele origin: germline.

GeneDx
Classification: Uncertain significance. Last evaluated: 2019-04-16. Review status: criteria provided, single submitter. Criteria: GeneDx Variant Classification Process June 2021. Collection method: clinical testing. Allele origin: germline. Affected: yes.
Comment: Has not been previously published as pathogenic or benign to our knowledge; In silico analysis, which includes protein predictors and evolutionary conservation, supports that this variant does not alter protein structure/function

NM_003793.4(CTSF):c.1100A>G (p.Asn367Ser)

Gene: CTSF (cathepsin F; minus strand). Cytogenetic location: 11q13.2.
Variant type: single nucleotide variant.
Coding change: c.1100A>G on transcript NM_003793.4 (MANE Select); coding-DNA position 1100, A replaced by G.
Protein change: p.Asn367Ser; replaces asparagine 367 with serine.
Molecular consequence: missense variant.
Genome position (GRCh38, 1-based): chr11:66,564,952, T>C on the plus strand (A>G on the coding strand, the complement: CTSF is on the minus strand). VCF-style: chr11-66564952-T-C. GRCh37 (hg19) VCF-style: chr11-66332423-T-C.
Other names: short protein forms N367S.
Identifiers: ClinVar variation 1305235 (VCV001305235.9), dbSNP rs201500574, ClinGen allele CA6125316.